The following is an entry in ClinVar:

NM_017617.5(NOTCH1):c.1099+9C>T

Gene: NOTCH1 (notch receptor 1; minus strand). Cytogenetic location: 9q34.3.
Variant type: single nucleotide variant.
Coding change: c.1099+9C>T on transcript NM_017617.5 (MANE Select); 9 bases into the intron after coding-DNA position 1099, C replaced by T.
Molecular consequence: intron variant.
Genome position (GRCh38, 1-based): chr9:136,518,582, G>A on the plus strand (C>T on the coding strand, the complement: NOTCH1 is on the minus strand). VCF-style: chr9-136518582-G-A. GRCh37 (hg19) VCF-style: chr9-139413034-G-A.
Other names: c.1099+9C>T (LRG_1122t1).
Identifiers: ClinVar variation 390444 (VCV000390444.9), dbSNP rs1057523772, ClinGen allele CA16606461.

ClinVar aggregate classification (germline): Likely benign. Review status: criteria provided, multiple submitters, no conflicts (2 of 4 stars). 4 submissions from 3 submitters: Likely benign (4). Last evaluated 2025-09-30.

Conditions:
Aortic valve disease 1 (AOVD1). Identifiers: MedGen C3887892, MONDO:0024523, OMIM 109730.
Adams-Oliver syndrome 5 (AOS5). Identifiers: Orphanet 974, MedGen C4014970, MONDO:0014459, OMIM 616028.

Allele frequency attached by ClinVar (database versions not stated): gnomAD 0.00001; gnomAD exomes 0.00002 and 0.00006; TOPMed 0.00002.
gnomAD v4.1: 95 of 1,609,910 alleles (0.0059%); highest among the groups gnomAD compares: Non-Finnish European, 0.0078%; no homozygotes.

Submissions (4):

Labcorp Genetics (formerly Invitae), Labcorp
Classification: Likely benign for Adams-Oliver syndrome 5. Last evaluated: 2025-09-30. Review status: criteria provided, single submitter. Criteria: Invitae Variant Classification Sherloc (09022015). Collection method: clinical testing. Allele origin: germline.

Genome-Nilou Lab
Classification: Likely benign for Adams-Oliver syndrome 5. Last evaluated: 2022-03-15. Review status: criteria provided, single submitter. Criteria: ACMG Guidelines, 2015. Collection method: clinical testing. Allele origin: germline. Affected: no.

Genome-Nilou Lab
Classification: Likely benign for Aortic valve disease 1. Last evaluated: 2022-03-15. Review status: criteria provided, single submitter. Criteria: ACMG Guidelines, 2015. Collection method: clinical testing. Allele origin: germline. Affected: no.

GeneDx
Classification: Likely benign. Last evaluated: 2016-11-04. Review status: criteria provided, single submitter. Criteria: GeneDx Variant Classification (06012015). Collection method: clinical testing. Allele origin: germline. Affected: yes.
Comment: This variant is considered likely benign or benign based on one or more of the following criteria: it is a conservative change, it occurs at a poorly conserved position in the protein, it is predicted to be benign by multiple in silico algorithms, and/or has population frequency not consistent with disease.